The following is an entry in ClinVar:

NM_003611.3(OFD1):c.2940G>C (p.Lys980Asn)

Gene: OFD1 (OFD1 centriole and centriolar satellite protein; plus strand). Cytogenetic location: Xp22.2.
Variant type: single nucleotide variant.
Coding change: c.2940G>C on transcript NM_003611.3 (MANE Select); coding-DNA position 2940, G replaced by C.
Protein change: p.Lys980Asn; replaces lysine 980 with asparagine.
Molecular consequence: missense variant.
Genome position (GRCh38, 1-based): chrX:13,768,729, G>C. VCF-style: chrX-13768729-G-C. GRCh37 (hg19) VCF-style: chrX-13786848-G-C.
Other names: c.2940G>C (NM_003611.2); c.2820G>C, p.Lys940Asn (NM_001330209.2); c.2520G>C, p.Lys840Asn (NM_001330210.2); short protein forms K980N, K840N, K940N.
Identifiers: ClinVar variation 2142621 (VCV002142621.6), dbSNP rs762218314, ClinGen allele CA10352116.

ClinVar aggregate classification (germline): Conflicting classifications of pathogenicity. Review status: criteria provided, conflicting classifications (1 of 4 stars). 3 submissions from 3 submitters: Uncertain significance (2); Likely benign (1). Last evaluated 2024-07-29.

Conditions:
Primary ciliary dyskinesia. Also called: Ciliary dyskinesia. Identifiers: Orphanet 244, MedGen C0008780, MONDO:0016575, HP:0012265.
Joubert syndrome. Also called: JOUBERT-BOLTSHAUSER SYNDROME; Familial aplasia of the vermis. Identifiers: Orphanet 475, MedGen C5979921, MONDO:0018772.
Orofaciodigital syndrome I (OFD1). Also called: Oral-Facial-Digital Syndrome Type I; OFDS I; Papillon-Leage and Psaume Syndrome. Identifiers: Orphanet 2750, MedGen C1510460, MONDO:0010702, OMIM 311200.
Simpson-Golabi-Behmel syndrome type 2. Identifiers: Orphanet 79022, MedGen C1846175, MONDO:0010265, OMIM 300209.
Joubert syndrome 10 (JBTS10). Identifiers: Orphanet 2754, MedGen C2749019, MONDO:0010431, OMIM 300804.
Retinitis pigmentosa 23 (RP23). Identifiers: Orphanet 791, MedGen C1419610, MONDO:0010320, OMIM 300424.

Allele frequency attached by ClinVar (database versions not stated): ExAC 0.00001; gnomAD exomes 0.00001; TOPMed 0.00002; gnomAD 0.00003.
gnomAD v4.1: 17 of 1,207,903 alleles (0.0014%); highest among the groups gnomAD compares: Non-Finnish European, 0.0019%; no homozygotes.

Submissions (3):

Ambry Genetics
Classification: Likely benign for Primary ciliary dyskinesia. Last evaluated: 2024-07-29. Review status: criteria provided, single submitter. Criteria: Ambry Variant Classification Scheme 2023. Collection method: clinical testing. Allele origin: germline.

Labcorp Genetics (formerly Invitae), Labcorp
Classification: Uncertain significance for Orofaciodigital syndrome I; Joubert syndrome. Last evaluated: 2024-07-19. Review status: criteria provided, single submitter. Criteria: Invitae Variant Classification Sherloc (09022015). Collection method: clinical testing. Allele origin: germline.
Comment: This sequence change replaces lysine, which is basic and polar, with asparagine, which is neutral and polar, at codon 980 of the OFD1 protein (p.Lys980Asn). This variant is present in population databases (rs762218314, gnomAD 0.006%). This variant has not been reported in the literature in individuals affected with OFD1-related conditions. ClinVar contains an entry for this variant (Variation ID: 2142621). An algorithm developed to predict the effect of missense changes on protein structure and function outputs the following: PolyPhen-2: "Possibly Damaging". The asparagine amino acid residue is found in multiple mammalian species, which suggests that this missense change does not adversely affect protein function. In summary, the available evidence is currently insufficient to determine the role of this variant in disease. Therefore, it has been classified as a Variant of Uncertain Significance.

Fulgent Genetics
Classification: Uncertain significance for Simpson-Golabi-Behmel syndrome type 2; Retinitis pigmentosa 23; Joubert syndrome 10; Orofaciodigital syndrome I. Last evaluated: 2024-02-29. Review status: criteria provided, single submitter. Criteria: ACMG Guidelines, 2015. Collection method: clinical testing. Allele origin: germline.